The following is an entry in ClinVar:

ClinVar aggregate classification (germline): Uncertain significance (1 of 4 stars; one submission).

gnomAD v4.1: 10 of 1,208,579 alleles (0.00083%); highest among the groups gnomAD compares: Non-Finnish European, 0.0011%; no homozygotes.

Submission:

GeneDx
Classification: Uncertain significance. Last evaluated: 2025-06-12. Review status: criteria provided, single submitter. Criteria: GeneDx Variant Classification Process June 2021. Collection method: clinical testing. Allele origin: germline. Affected: yes.
Comment: Not observed at significant frequency in large population cohorts (gnomAD); In silico analysis suggests that this missense variant does not alter protein structure/function; Has not been previously published as pathogenic or benign to our knowledge

NM_001330574.2(ZNF711):c.802A>C (p.Ser268Arg)

Gene: ZNF711 (zinc finger protein 711; plus strand). Cytogenetic location: Xq21.1.
Variant type: single nucleotide variant.
Coding change: c.802A>C on transcript NM_001330574.2 (MANE Select); coding-DNA position 802, A replaced by C.
Protein change: p.Ser268Arg; replaces serine 268 with arginine.
Molecular consequence: missense variant.
Genome position (GRCh38, 1-based): chrX:85,265,141, A>C. VCF-style: chrX-85265141-A-C. GRCh37 (hg19) VCF-style: chrX-84520147-A-C.
Other names: c.802A>C, p.Ser268Arg (NM_001375431.1, NM_001375432.1, NM_001375433.1 and 5 more transcripts); short protein forms S268R.
Identifiers: ClinVar variation 1313503 (VCV001313503.3), dbSNP rs2147856295, ClinGen allele CA413770503.
Genomic context (GRCh38, chrX:85,265,141, plus strand): 5'-ATACTTCTCTATTTTAATGCGTGTTTTAATTTTTAAGGTGGAACAGAAATTGTCACAGAG[A>C]GTGAGTACACCAGTGGACATTCAGTAGCTGGAGTGCTTGACCAGAGCCGAATGCAGCGGG-3'
Protein context (NP_001317503.1, residues 258-278): EIGGTEIVTE[Ser268Arg]EYTSGHSVAG